The following is an entry in ClinVar:

NM_000059.4(BRCA2):c.5960del (p.Gln1987fs)

Gene: BRCA2 (BRCA2 DNA repair associated; plus strand). Cytogenetic location: 13q13.1.
Variant type: Deletion.
Coding change: c.5960del on transcript NM_000059.4 (MANE Select); coding-DNA position 5960, one base deleted (A; older notation c.5960delA).
Protein change: p.Gln1987fs; shifts the reading frame from glutamine 1987.
Molecular consequence: frameshift variant. On other transcripts: non-coding transcript variant (1), intron variant (2).
Genome position (GRCh38, 1-based): chr13:32,340,315, A deleted. VCF-style (leftmost placement, unchanged base first): chr13-32340314-CA-C. GRCh37 (hg19) VCF-style: chr13-32914451-CA-C.
Other names: c.5960del, p.Gln1987fs (NM_001406719.1, NM_001406720.1); c.1910-4243del (NM_001406721.1); c.425-4243del (NM_001406722.1); short protein forms Q1987fs.
Identifiers: ClinVar variation 3075787 (VCV003075787.1), dbSNP rs2548532226, ClinGen allele CA2695217905.
Genomic context (GRCh38, chr13:32,340,314, plus strand): 5'-AAGTCAGTCTCATCTGCAAATACTTGTGGGATTTTTAGCACAGCAAGTGGAAAATCTGTC[CA>C]GGTATCAGATGCTTCATTACAAAACGCAAGACAAGTGTTTTCTGAAATAGAAGATAGTAC-3'

ClinVar aggregate classification (germline): Likely pathogenic (1 of 4 stars; one submission).

Conditions:
Hereditary breast ovarian cancer syndrome. Also called: Hereditary breast and ovarian cancer syndrome; Hereditary breast and ovarian cancer; Hereditary breast and ovarian cancer syndrome (HBOC); Breast and ovarian cancer; Hereditary breast and/or ovarian cancer syndrome; BRCA1- and BRCA2-Associated Hereditary Breast and Ovarian Cancer. Identifiers: Orphanet 145, MedGen C0677776, MeSH D061325, MONDO:0003582. Disease mechanism: loss of function.

Submission:

Laboratory for Molecular Medicine, Mass General Brigham Personalized Medicine
Classification: Likely pathogenic for Hereditary breast ovarian cancer syndrome. Last evaluated: 2019-10-14. Review status: criteria provided, single submitter. Criteria: ACMG Guidelines, 2015. Collection method: clinical testing. Allele origin: germline.
Comment: The p.Gln1987ArgfsX17 variant in BRCA2 has not been previously reported in individuals with hereditary breast and/or ovarian cancer (HBOC) and was absent from large population studies. This variant is predicted to cause a frameshift, which alters the protein’s amino acid sequence beginning at position 1987 and leads to a premature termination codon 17 amino acids downstream. This alteration is then predicted to lead to a truncated or absent protein. Loss of function of the BRCA2 gene is an established disease mechanism in autosomal dominant HBOC. In summary, although additional studies are required to fully establish its clinical significance, this variant meets criteria to be classified as likely pathogenic for autosomal dominant HBOC. ACMG/AMP Criteria applied: PVS1, PM2.